The following is an entry in ClinVar:

NM_207122.2(EXT2):c.953G>A (p.Cys318Tyr)

Gene: EXT2 (exostosin glycosyltransferase 2; plus strand). Cytogenetic location: 11p11.2.
Variant type: single nucleotide variant.
Coding change: c.953G>A on transcript NM_207122.2 (MANE Select); coding-DNA position 953, G replaced by A.
Protein change: p.Cys318Tyr; replaces cysteine 318 with tyrosine.
Molecular consequence: missense variant.
Genome position (GRCh38, 1-based): chr11:44,126,829, G>A. VCF-style: chr11-44126829-G-A. GRCh37 (hg19) VCF-style: chr11-44148379-G-A.
Other names: c.1052G>A, p.Cys351Tyr (NM_000401.3); c.953G>A, p.Cys318Tyr (NM_001178083.3, NM_001389628.1, NM_001389630.1); short protein forms C351Y, C318Y.
Identifiers: ClinVar variation 2086134 (VCV002086134.5), dbSNP rs776120800, ClinGen allele CA5955059.
Genomic context (GRCh38, chr11:44,126,829, plus strand): 5'-ATCAGCAAAACTAGTTTGTAATCTCTTGCCTCTTTGTGTTCCTGCAGGAGGCTACTTTCT[G>A]TGTGGTTCTTCGTGGAGCTCGGCTGGGCCAGGCAGTATTGAGCGATGTGTTACAAGCTGG-3'
Protein context (NP_997005.1, residues 308-328): YPQVLQEATF[Cys318Tyr]VVLRGARLGQ

ClinVar aggregate classification (germline): Uncertain significance. Review status: criteria provided, multiple submitters, no conflicts (2 of 4 stars). 2 submissions from 2 submitters: Uncertain significance (2). Last evaluated 2026-03-09.

Conditions:
Exostoses, multiple, type 2 (EXT2). Also called: Hereditary Multiple Osteochondromatosis, Type II; EXOSTOSES, MULTIPLE, TYPE II. Identifiers: Orphanet 321, MedGen C1851413, MONDO:0007586, OMIM 133701.

Allele frequency attached by ClinVar (database versions not stated): ExAC 0.00001; TOPMed 0.00001; gnomAD 0.00002; gnomAD exomes 0.00002.
gnomAD v4.1: 30 of 1,614,078 alleles (0.0019%); highest among the groups gnomAD compares: African/African-American, 0.0027%; no homozygotes.

Submissions (2):

GeneDx
Classification: Uncertain significance. Last evaluated: 2026-03-09. Review status: criteria provided, single submitter. Criteria: GeneDx Variant Classification Process June 2021. Collection method: clinical testing. Allele origin: germline.
Comment: In silico analysis supports that this missense variant has a deleterious effect on protein structure/function; Has not been previously published as pathogenic or benign to our knowledge

Labcorp Genetics (formerly Invitae), Labcorp
Classification: Uncertain significance for Exostoses, multiple, type 2. Last evaluated: 2021-12-24. Review status: criteria provided, single submitter. Criteria: Invitae Variant Classification Sherloc (09022015). Collection method: clinical testing. Allele origin: germline.
Comment: In summary, the available evidence is currently insufficient to determine the role of this variant in disease. Therefore, it has been classified as a Variant of Uncertain Significance. This variant disrupts the p.Cys318 amino acid residue in EXT2. Other variant(s) that disrupt this residue have been determined to be pathogenic (Invitae). This suggests that this residue is clinically significant, and that variants that disrupt this residue are likely to be disease-causing. Algorithms developed to predict the effect of missense changes on protein structure and function are either unavailable or do not agree on the potential impact of this missense change (SIFT: "Deleterious"; PolyPhen-2: "Probably Damaging"; Align-GVGD: "Class C0"). This variant has not been reported in the literature in individuals affected with EXT2-related conditions. This variant is present in population databases (rs776120800, gnomAD 0.008%). This sequence change replaces cysteine, which is neutral and slightly polar, with tyrosine, which is neutral and polar, at codon 318 of the EXT2 protein (p.Cys318Tyr).